The following is an entry in ClinVar:

ClinVar aggregate classification (germline): Uncertain significance (1 of 4 stars; one submission).

gnomAD v4.1: 1 of 1,511,868 alleles (0.000066%); highest among the groups gnomAD compares: Non-Finnish European, 0.000088%; no homozygotes.

Submission:

Labcorp Genetics (formerly Invitae), Labcorp
Classification: Uncertain significance. Last evaluated: 2024-05-18. Review status: criteria provided, single submitter. Criteria: Invitae Variant Classification Sherloc (09022015). Collection method: clinical testing. Allele origin: germline.
Comment: This sequence change replaces proline, which is neutral and non-polar, with leucine, which is neutral and non-polar, at codon 485 of the CAMK2B protein (p.Pro485Leu). This variant is not present in population databases (gnomAD no frequency). This variant has not been reported in the literature in individuals affected with CAMK2B-related conditions. An algorithm developed to predict the effect of missense changes on protein structure and function (PolyPhen-2) suggests that this variant is likely to be disruptive. In summary, the available evidence is currently insufficient to determine the role of this variant in disease. Therefore, it has been classified as a Variant of Uncertain Significance.

NM_001220.5(CAMK2B):c.1454C>T (p.Pro485Leu)

Gene: CAMK2B (calcium/calmodulin dependent protein kinase II beta; minus strand). Cytogenetic location: 7p13.
Variant type: single nucleotide variant.
Coding change: c.1454C>T on transcript NM_001220.5 (MANE Select); coding-DNA position 1454, C replaced by T.
Protein change: p.Pro485Leu; replaces proline 485 with leucine.
Molecular consequence: missense variant. On other transcripts: intron variant (8).
Genome position (GRCh38, 1-based): chr7:44,228,810, G>A on the plus strand (C>T on the coding strand, the complement: CAMK2B is on the minus strand). VCF-style: chr7-44228810-G-A. GRCh37 (hg19) VCF-style: chr7-44268409-G-A.
Other names: c.947-7909C>T (NM_172084.3); c.1150+2196C>T (NM_172080.3); c.1036+2196C>T (NM_172083.3); c.1108+2196C>T (NM_172081.3); c.1153+2196C>T (NM_172079.3, NM_172082.3); c.1225+2196C>T (NM_001293170.2, NM_172078.3); short protein forms P485L.
Identifiers: ClinVar variation 3687949 (VCV003687949.2).